The following is an entry in ClinVar:

NM_006361.6(HOXB13):c.853del (p.Ter285LysextTer?)

Gene: HOXB13 (homeobox B13; minus strand). Cytogenetic location: 17q21.32.
Variant type: Deletion.
Coding change: c.853del on transcript NM_006361.6 (MANE Select); coding-DNA position 853, one base deleted (T; older notation c.853delT).
Protein change: p.Ter285LysextTer?.
Molecular consequence: frameshift variant, stop lost.
Genome position (GRCh38, 1-based): chr17:48,726,792, A deleted on the plus strand (T on the coding strand, the reverse complement: HOXB13 is on the minus strand); the first of 2 consecutive A bases (chr17:48,726,792-48,726,793); deleting either gives the same sequence. VCF-style (leftmost placement, unchanged base first): chr17-48726791-TA-T. GRCh37 (hg19) VCF-style: chr17-46804153-TA-T.
Other names: c.853delT (NM_006361.5, NM_006361.6).
Identifiers: ClinVar variation 182506 (VCV000182506.36), dbSNP rs77179853, ClinGen allele CA299235.

ClinVar aggregate classification (germline): Conflicting classifications of pathogenicity; association. Review status: criteria provided, conflicting classifications (1 of 4 stars). 7 submissions from 7 submitters: Likely pathogenic (4); Uncertain significance (1). 1 of the submissions does not count toward it. Last evaluated 2026-02-02.

Conditions:
HOXB13-related disorder. Also called: HOXB13-related disorders; HOXB13-related condition.
Hereditary cancer-predisposing syndrome. Also called: Hereditary Cancer Syndrome; Neoplastic Syndromes, Hereditary; Tumor predisposition; Hereditary neoplastic syndrome. Identifiers: Orphanet 140162, MedGen C0027672, MeSH D009386, MONDO:0015356.
Familial prostate cancer. Also called: Hereditary Prostate Cancer. Identifiers: MedGen C2931456, MONDO:0700275, OMIM 176807.
Prostate cancer, hereditary, 9 (HPC9). Identifiers: Orphanet 1331, MedGen C1970250, MONDO:0012597, OMIM 610997.

Submissions (7):

Labcorp Genetics (formerly Invitae), Labcorp
Classification: association. Last evaluated: 2026-02-02. Review status: criteria provided, single submitter. Criteria: Invitae Variant Classification Sherloc (09022015). Collection method: clinical testing. Allele origin: germline.
Comment: This sequence change disrupts the translational stop signal of the HOXB13 mRNA. It is expected to extend the length of the HOXB13 protein by 96 additional amino acid residues. This variant is present in population databases (rs77179853, gnomAD 0.2%), and has an allele count higher than expected for a pathogenic variant. This protein extension has been observed in individuals with prostate cancer, however it has also been identified in unaffected individuals. In a case-control study involving 10,477 prostate cancer patients and 9,688 controls with African ancestry, men carrying this variant had a 2.4 fold higher relative risk of prostate cancer compared with non-carriers (95 % CI 1.5-3.9)(PMID: 35031163, internal data). Also, carriers have increased risk of early onset, more aggressive, and advanced disease (PMID: 35031163, 34799695). Both population studies and haplotype analyses suggest that this variant is a West African founder mutation, explaining the higher frequency in these populations (PMID: 35031163). ClinVar contains an entry for this variant (Variation ID: 182506). In summary, this is a common variant that is associated with an increased risk for developing disease. For these reasons, this variant has been classified as an Increased Risk Allele.

Ambry Genetics
Classification: Likely pathogenic for Hereditary cancer-predisposing syndrome. Last evaluated: 2025-10-15. Review status: criteria provided, single submitter. Criteria: Ambry Variant Classification Scheme 2023. Collection method: clinical testing. Allele origin: germline.
Comment: The c.853delT variant, located in coding exon 2 of the HOXB13 gene, results from a deletion of one nucleotide at nucleotide position 853, disrupting the native stop codon and extending the protein by 96 amino acids (p.*285Kext*96). This alteration has been reported in one of 200 individuals with prostate cancer and in one of 160 control subjects of African ancestry, and has also been reported in additional prostate cancer cohorts in men with primarily West African ancestry (Akbari MR et al. J. Natl. Cancer Inst. 2012 Aug;104:1260-2; Marlin R et al. Prostate 2020 05;80(6):463-470; Na R et al. Br J Cancer 2022 Mar;126(5):791-796; Kanayama M et al. Eur Urol Oncol, 2024 Aug;7:751-759). This alteration was also identified amongst a cohort of 743 Black men diagnosed with prostate cancer at age 62 years or younger (Trendowski MR et al. JCO Precis Oncol, 2022 Nov;6:e2200460). Case control studies show a positive association of this variant with prostate cancer (Darst BF et al. Eur Urol 2022 May;81(5):458-462; Ambry internal data; external communication), with published estimations that male carriers of the c.853delT variant have an overall 2.4 fold risk of prostate cancer compared to the general population (Darst et al.). Based on the majority of available evidence to date, this variant is likely to be pathogenic.

Women's Health and Genetics/Laboratory Corporation of America, LabCorp
Classification: Likely pathogenic for Familial prostate cancer. Last evaluated: 2025-08-18. Review status: criteria provided, single submitter. Criteria: LabCorp Variant Classification Summary - May 2015. Collection method: clinical testing. Allele origin: germline.
Comment: Variant summary: HOXB13 c.853delT (p.X285LysfsX97; aka. X285K in the literature) causes a frameshift which results in the disruption of the stop codon, and an extension of the protein. The variant allele was found at a frequency of 0.00015 in 251424 control chromosomes, predominantly at a frequency of 0.0022 within the African or African-American subpopulation in the gnomAD database. The observed variant frequency within African or African-American control individuals in the gnomAD database is approximately 250-fold of the estimated maximal expected allele frequency for a pathogenic variant in HOXB13 causing Prostate Cancer phenotype (8.3e-06). The variant, c.853delT, has been observed in several individuals affected with Prostate Cancer, but was also found in controls, and it has been reported as significantly associated with early onset and aggressive prostate cancer in individuals of African American ancestry (e.g. Dars_2022 and Na_2022). At least one publication reported experimental evidence evaluating an impact on protein function and demonstrated significantly upregulated cyclin B1 and c-Myc expression in X285K clones, consistent with a gain-of-function effect for the variant protein (Kanayama_2024). The following publications have been ascertained in the context of this evaluation (PMID: 22781434, 35031163, 32040869, 34799695, 36446039, 37806842). ClinVar contains an entry for this variant (Variation ID: 182506). In conclusion, the variant seems to cause a change in gene function that is consistent with the increased prostate cancer risk found in case-controls studies. Based on the evidence outlined above, the variant was classified as likely pathogenic.

Institute for Genomic Medicine (IGM) Clinical Laboratory, Nationwide Children's Hospital
Classification: Likely pathogenic for Prostate cancer, hereditary, 9. Last evaluated: 2025-03-11. Review status: criteria provided, single submitter. Criteria: ACMG Guidelines, 2015. Collection method: clinical testing. Allele origin: germline.
Comment: This variant has been reported at an elevated frequency in affected individuals/in multiple affected individuals in the literature (ACMG/AMP: PS4; PMIDs:34799695, 32040869, 35031163). This variant is predicted to result in an in-frame insertion or deletion in a non-repetitive region (ACMG/AMP: PM4).

GeneDx
Classification: Uncertain significance. Last evaluated: 2024-11-21. Review status: criteria provided, single submitter. Criteria: GeneDx Variant Classification Process June 2021. Collection method: clinical testing. Allele origin: germline. Affected: yes.
Comment: Stop codon loss and change to a lysine codon, leading to protein extension and the addition of 96 amino acids at the C-terminus; Case-control studies in individuals with African ancestry are conflicting with respect to overall prostate cancer risk, but suggest that this variant is associated with early-onset or aggressive disease in affected individuals (PMID: 34799695, 35031163, 37806842); Observed in individuals with prostate or breast cancer, but also in unaffected controls (PMID: 22781434, 32040869, 36446039); Published functional studies using patient cells suggest a gain-of-function effect resulting in elevated expression of cyclin B1 and c-Myc (PMID: 37806842); This variant is associated with the following publications: (PMID: 24239177, 22781434, 32040869, 35031163, 33804961, 34799695, 37806842, 36446039)

Fulgent Genetics
Classification: Likely pathogenic for Prostate cancer, hereditary, 9. Last evaluated: 2024-04-16. Review status: criteria provided, single submitter. Criteria: ACMG Guidelines, 2015. Collection method: clinical testing. Allele origin: germline.

PreventionGenetics, part of Exact Sciences
Classification: Uncertain significance for HOXB13-related condition. Last evaluated: 2024-07-26. Review status: no assertion criteria provided. Collection method: clinical testing. Allele origin: germline. Not counted in ClinVar's aggregate classification.
Comment: The HOXB13 c.853delT variant is predicted to result in extension of the open reading frame (p.*285Lysext*96). This variant has been documented in multiple patients with prostate cancer in the literature. Statistical analyses suggest that this variant may confer increased susceptibility to aggressive prostate cancer, with onset at an earlier age (Akbari et al. 2012. PubMed ID:  22781434; Marlin et al. 2020. PubMed ID: 32040869; Na et al. 2021. PubMed ID: 34799695). This variant is reported in 0.21% of alleles in individuals of African descent in gnomAD and has conflicting interpretations of likely pathogenic and uncertain significance in ClinVar. At this time, the clinical significance of this variant is uncertain due to the absence of conclusive functional and genetic evidence.

Literature cited by the submitters: PubMed 35031163 (cited by 3 submitters); PubMed 34799695 (cited by 3 submitters); PubMed 22781434 (cited by Ambry Genetics and Women's Health and Genetics/Laboratory Corporation of America, LabCorp); PubMed 36446039 (cited by Ambry Genetics and Women's Health and Genetics/Laboratory Corporation of America, LabCorp); PubMed 37806842 (cited by Ambry Genetics and Women's Health and Genetics/Laboratory Corporation of America, LabCorp); PubMed 32040869 (cited by Women's Health and Genetics/Laboratory Corporation of America, LabCorp and Institute for Genomic Medicine (IGM) Clinical Laboratory, Nationwide Children's Hospital).